The following is an entry in ClinVar:

NM_002382.5(MAX):c.169A>T (p.Lys57Ter)

Genes: MAX-AS1 (MAX antisense RNA 1; plus strand), MAX (MYC associated transcriptional regulator X; minus strand). Cytogenetic location: 14q23.3.
Variant type: single nucleotide variant.
Coding change: c.169A>T on transcript NM_002382.5 (MANE Select); coding-DNA position 169, A replaced by T.
Protein change: p.Lys57Ter; replaces lysine 57 with a stop codon.
Molecular consequence: nonsense. On other transcripts: non-coding transcript variant (12), 5 prime UTR variant (6), missense variant (1), intron variant (1).
Genome position (GRCh38, 1-based): chr14:65,093,710, T>A on the plus strand (A>T on the coding strand, the complement: MAX is on the minus strand). VCF-style: chr14-65093710-T-A. GRCh37 (hg19) VCF-style: chr14-65560428-T-A.
Other names: c.142A>T, p.Lys48Ter (NM_001271068.2, NM_001271069.2, NM_001407095.1 and 9 more transcripts); c.-106A>T (NM_001320415.2, NM_001407105.1, NM_001407106.1 and 1 more transcripts); c.169A>T, p.Lys57Ter (NM_001407094.1, NM_001407096.1, NM_001407097.1 and 5 more transcripts); c.-199A>T (NM_001407111.1, NM_001407112.1); c.192A>T, p.Arg64Ser (NM_001407114.1); c.63+7836A>T (NM_001407098.1); short protein forms K48*, K57*, R64S.
Identifiers: ClinVar variation 3543699 (VCV003543699.1).

ClinVar aggregate classification (germline): Pathogenic (1 of 4 stars; one submission).

Conditions:
Hereditary cancer-predisposing syndrome. Also called: Hereditary Cancer Syndrome; Hereditary neoplastic syndrome; Tumor predisposition; Neoplastic Syndromes, Hereditary. Identifiers: Orphanet 140162, MedGen C0027672, MeSH D009386, MONDO:0015356.

Submission:

Ambry Genetics
Classification: Pathogenic for Hereditary cancer-predisposing syndrome. Last evaluated: 2024-09-26. Review status: criteria provided, single submitter. Criteria: Ambry Variant Classification Scheme 2023. Collection method: clinical testing. Allele origin: germline.
Comment: The p.K57* pathogenic mutation (also known as c.169A>T), located in coding exon 3 of the MAX gene, results from an A to T substitution at nucleotide position 169. This changes the amino acid from a lysine to a stop codon within coding exon 3. This variant is considered to be rare based on population cohorts in the Genome Aggregation Database (gnomAD). This alteration is expected to result in loss of function by premature protein truncation or nonsense-mediated mRNA decay. As such, this alteration is interpreted as a disease-causing mutation.